The following is an entry in ClinVar:

ClinVar aggregate classification (germline): Conflicting classifications of pathogenicity. Review status: criteria provided, conflicting classifications (1 of 4 stars). 3 submissions from 3 submitters: Uncertain significance (1); Likely benign (1). 1 of the submissions does not count toward it. Last evaluated 2025-05-08.

Conditions:
MMACHC-related disorder. Also called: MMACHC-related condition.
Cobalamin C disease. Also called: methylmalonic aciduria and homocystinuria type cblC; Methylmalonic aciduria and homocystinuria, Vitamin B12-responsive; Vitamin B12 metabolic defect with combined deficiency of methylmalonyl-CoA mutase and homocysteine:methyltetrahydrofolate methyltransferase; Methylmalonic aciduria with homocystinuria cblC type; Cobalamin-C methylmalonic acidemia and homocystinuria; Methylmalonic acidemia and homocystinuria cblC type. Identifiers: Orphanet 26, Orphanet 79282, MedGen C1848561, MONDO:0010184, OMIM 277400.

Allele frequency attached by ClinVar (database versions not stated): gnomAD 0.00001 and 0.00007; TOPMed 0.00002; gnomAD exomes 0.00011 and 0.00023; ExAC 0.00028; 1000 Genomes Project 0.00040; 1000 Genomes Project 30x 0.00047.
gnomAD v4.1: 169 of 1,614,186 alleles (0.01%); highest among the groups gnomAD compares: South Asian, 0.17%; 1 homozygote.

Submissions (3):

Labcorp Genetics (formerly Invitae), Labcorp
Classification: Likely benign for Cobalamin C disease. Last evaluated: 2025-05-08. Review status: criteria provided, single submitter. Criteria: Invitae Variant Classification Sherloc (09022015). Collection method: clinical testing. Allele origin: germline.

Department of Pathology and Laboratory Medicine, Sinai Health System
Classification: Uncertain significance for Cobalamin C disease. Last evaluated: 2021-07-30. Review status: criteria provided, single submitter. Criteria: ACMG Guidelines, 2015. Collection method: research. Allele origin: germline.

PreventionGenetics, part of Exact Sciences
Classification: Likely benign for MMACHC-related condition. Last evaluated: 2023-05-01. Review status: no assertion criteria provided. Collection method: clinical testing. Allele origin: germline. Not counted in ClinVar's aggregate classification.
Comment: This variant is classified as likely benign based on ACMG/AMP sequence variant interpretation guidelines (Richards et al. 2015 PMID: 25741868, with internal and published modifications).

NM_015506.3(MMACHC):c.40G>A (p.Asp14Asn)

Gene: MMACHC (metabolism of cobalamin associated C; plus strand). Cytogenetic location: 1p34.1.
Variant type: single nucleotide variant.
Coding change: c.40G>A on transcript NM_015506.3 (MANE Select); coding-DNA position 40, G replaced by A.
Protein change: p.Asp14Asn; replaces aspartic acid 14 with asparagine.
Molecular consequence: missense variant. On other transcripts: 5 prime UTR variant (1).
Genome position (GRCh38, 1-based): chr1:45,500,372, G>A. VCF-style: chr1-45500372-G-A. GRCh37 (hg19) VCF-style: chr1-45966044-G-A.
Other names: c.-183G>A (NM_001330540.2); short protein forms D14N.
Identifiers: ClinVar variation 582169 (VCV000582169.12), dbSNP rs563710045, ClinGen allele CA827605.
Genomic context (GRCh38, chr1:45,500,372, plus strand): 5'-GCTCAGCGTGTAACGTGCGCTATGGAGCCGAAAGTCGCAGAGCTGAAGCAGAAGATCGAG[G>A]ACACGCTATGTCCTTTTGGCTTCGAGGTTTACCCCTTCCAGGTTAGTTTATCCCTCCTGC-3'
Protein context (NP_056321.2, residues 4-24): KVAELKQKIE[Asp14Asn]TLCPFGFEVY